The following is an entry in ClinVar:

ClinVar aggregate classification (germline): Uncertain significance. Review status: criteria provided, multiple submitters, no conflicts (2 of 4 stars). 3 submissions from 3 submitters: Uncertain significance (3). Last evaluated 2026-02-28.

Conditions:
GNAS-related disorder. Identifiers: MedGen CN380105.

Submissions (3):

GeneDx
Classification: Uncertain significance. Last evaluated: 2026-02-28. Review status: criteria provided, single submitter. Criteria: GeneDx Variant Classification Process June 2021. Collection method: clinical testing. Allele origin: germline.
Comment: Not observed at significant frequency in large population cohorts (gnomAD); In silico analysis supports that this missense variant has a deleterious effect on protein structure/function; Has not been previously published as pathogenic or benign to our knowledge

PreventionGenetics, part of Exact Sciences
Classification: Uncertain significance for GNAS-related condition. Last evaluated: 2026-01-26. Review status: criteria provided, single submitter. Criteria: ACMG Guidelines, 2015. Collection method: clinical testing. Allele origin: germline.
Comment: The GNAS c.923T>C variant is predicted to result in the amino acid substitution p.Ile308Thr. To our knowledge, this variant has not been reported in the literature or in gnomAD, indicating this variant is rare. At this time, the clinical significance of this variant is uncertain due to the absence of conclusive functional and genetic evidence.

Labcorp Genetics (formerly Invitae), Labcorp
Classification: Uncertain significance. Last evaluated: 2025-07-29. Review status: criteria provided, single submitter. Criteria: Invitae Variant Classification Sherloc (09022015). Collection method: clinical testing. Allele origin: germline.
Comment: This sequence change replaces isoleucine, which is neutral and non-polar, with threonine, which is neutral and polar, at codon 308 of the GNAS protein (p.Ile308Thr). This variant is not present in population databases (gnomAD no frequency). This variant has not been reported in the literature in individuals affected with GNAS-related conditions. Invitae Evidence Modeling of protein sequence and biophysical properties (such as structural, functional, and spatial information, amino acid conservation, physicochemical variation, residue mobility, and thermodynamic stability) indicates that this missense variant is expected to disrupt GNAS protein function with a positive predictive value of 80%. In summary, the available evidence is currently insufficient to determine the role of this variant in disease. Therefore, it has been classified as a Variant of Uncertain Significance.

NM_000516.7(GNAS):c.923T>C (p.Ile308Thr)

Gene: GNAS (GNAS complex locus; plus strand). Cytogenetic location: 20q13.32.
Variant type: single nucleotide variant.
Coding change: c.923T>C on transcript NM_000516.7 (MANE Select); coding-DNA position 923, T replaced by C.
Protein change: p.Ile308Thr; replaces isoleucine 308 with threonine.
Molecular consequence: missense variant. On other transcripts: 3 prime UTR variant (2).
Genome position (GRCh38, 1-based): chr20:58,910,034, T>C. VCF-style: chr20-58910034-T-C. GRCh37 (hg19) VCF-style: chr20-57485089-T-C.
Other names: c.923T>C (NM_000516.5); c.926T>C, p.Ile309Thr (NM_001077488.5); c.878T>C, p.Ile293Thr (NM_001077489.4); c.*784T>C (NM_001077490.3); c.746T>C, p.Ile249Thr (NM_001309840.2, NM_001309861.2, NM_001438276.1 and 1 more transcripts); c.827T>C, p.Ile276Thr (NM_001410912.1); c.2807T>C, p.Ile936Thr (NM_001410913.1); c.701T>C, p.Ile234Thr (NM_001438273.1, NM_001438274.1, NM_001438275.1); and 3 more; short protein forms I234T, I249T, I276T, I293T, I294T, I308T, I309T, I936T.
Identifiers: ClinVar variation 4278843 (VCV004278843.4).